The following is an entry in ClinVar:

ClinVar aggregate classification (germline): Uncertain significance (1 of 4 stars; one submission).

Conditions:
Developmental and epileptic encephalopathy, 1 (DEE1). Also called: X-linked infantile spasms; West's syndrome; Tonic spasms with clustering, arrest of psychomotor development and hypsarrhythmia on EEG; X-Linked Infantile Spasm Syndrome; OHTAHARA SYNDROME, X-LINKED; Epileptic encephalopathy, early infantile, 1. Identifiers: MedGen C3463992, MONDO:0010632, OMIM 308350. Disease mechanism: loss of function.
Intellectual disability, X-linked, with or without seizures, ARX-related. Also called: Mental retardation, X-linked 52; INTELLECTUAL DEVELOPMENTAL DISORDER, X-LINKED 29; MENTAL RETARDATION, X-LINKED 29; MENTAL RETARDATION, X-LINKED 32; MENTAL RETARDATION, X-LINKED 33; MENTAL RETARDATION, X-LINKED 38. Identifiers: Orphanet 777, MedGen C0796244, MONDO:0010317, OMIM 300419.

Allele frequency attached by ClinVar (database versions not stated): gnomAD exomes 0.00003.
gnomAD v4.1: 1 of 787,678 alleles (0.00013%); highest among the groups gnomAD compares: Non-Finnish European, 0.00015%; no homozygotes.

Submission:

Labcorp Genetics (formerly Invitae), Labcorp
Classification: Uncertain significance for Developmental and epileptic encephalopathy, 1; Intellectual disability, X-linked, with or without seizures, ARX-related. Last evaluated: 2022-09-27. Review status: criteria provided, single submitter. Criteria: Invitae Variant Classification Sherloc (09022015). Collection method: clinical testing. Allele origin: germline.
Comment: In summary, the available evidence is currently insufficient to determine the role of this variant in disease. Therefore, it has been classified as a Variant of Uncertain Significance. Advanced modeling of protein sequence and biophysical properties (such as structural, functional, and spatial information, amino acid conservation, physicochemical variation, residue mobility, and thermodynamic stability) performed at Invitae indicates that this missense variant is not expected to disrupt ARX protein function. This variant has not been reported in the literature in individuals affected with ARX-related conditions. The frequency data for this variant in the population databases is considered unreliable, as metrics indicate insufficient coverage at this position in the gnomAD database. This sequence change replaces alanine, which is neutral and non-polar, with threonine, which is neutral and polar, at codon 150 of the ARX protein (p.Ala150Thr).

NM_139058.3(ARX):c.448G>A (p.Ala150Thr)

Genes: ARX (aristaless related homeobox; minus strand), LOC109610631 (aristaless related homeobox polyalanine expansion region; plus strand). Cytogenetic location: Xp21.3.
Variant type: single nucleotide variant.
Coding change: c.448G>A on transcript NM_139058.3 (MANE Select); coding-DNA position 448, G replaced by A.
Protein change: p.Ala150Thr; replaces alanine 150 with threonine.
Molecular consequence: missense variant.
Genome position (GRCh38, 1-based): chrX:25,013,547, C>T on the plus strand (G>A on the coding strand, the complement: ARX is on the minus strand). VCF-style: chrX-25013547-C-T. GRCh37 (hg19) VCF-style: chrX-25031664-C-T.
Other names: short protein forms A150T.
Identifiers: ClinVar variation 1918085 (VCV001918085.5), dbSNP rs2519107381, ClinGen allele CA412613165.